The following is an entry in ClinVar:

ClinVar aggregate classification (germline): Benign. Review status: criteria provided, multiple submitters, no conflicts (2 of 4 stars). 3 submissions from 3 submitters: Benign (3). Last evaluated 2024-07-15.

Allele frequency attached by ClinVar (database versions not stated): TOPMed 0.99772; gnomAD 0.99816 and 0.99830; 1000 Genomes Project 0.99880; 1000 Genomes Project 30x 0.99891; gnomAD exomes 0.99985.
gnomAD v4.1: 1,455,444 of 1,455,914 alleles (100%); highest among the groups gnomAD compares: East Asian, 100%; 727,487 homozygotes.

Submissions (3):

Unidad de Genómica Garrahan, Hospital de Pediatría Garrahan
Classification: Benign. Last evaluated: 2024-07-15. Review status: criteria provided, single submitter. Criteria: ACMG Guidelines, 2015. Collection method: clinical testing. Allele origin: germline. Affected: no. Observed: 61 variant alleles.
Comment: This variant is classified as Benign based on local population frequency. This variant was detected in 66% of patients studied in a panel designed for Epileptic and Developmental Encephalopathy and Progressive Myoclonus Epilepsy. Number of patients: 61. Only high quality variants are reported.

GeneDx
Classification: Benign. Last evaluated: 2018-07-15. Review status: criteria provided, single submitter. Criteria: GeneDx Variant Classification Process June 2021. Collection method: clinical testing. Allele origin: germline. Affected: yes.

Breakthrough Genomics
Classification: Benign. Review status: criteria provided, single submitter. Criteria: ACMG Guidelines, 2015. Collection method: not provided. Allele origin: germline. Inheritance: Autosomal dominant inheritance. Affected: yes.

NM_004974.4(KCNA2):c.*1379A>C

Gene: KCNA2 (potassium voltage-gated channel subfamily A member 2; minus strand). Cytogenetic location: 1p13.3.
Variant type: single nucleotide variant.
Coding change: c.*1379A>C on transcript NM_004974.4 (MANE Select); 1379 bases downstream of the stop codon, A replaced by C.
Molecular consequence: 3 prime UTR variant. On other transcripts: intron variant (1).
Genome position (GRCh38, 1-based): chr1:110,601,904, T>G on the plus strand (A>C on the coding strand, the complement: KCNA2 is on the minus strand). VCF-style: chr1-110601904-T-G. GRCh37 (hg19) VCF-style: chr1-111144526-T-G.
Other names: c.1035+126A>C (NM_001204269.2).
Identifiers: ClinVar variation 1284086 (VCV001284086.4), dbSNP rs4839071, ClinGen allele CA28807435.